The following is an entry in ClinVar:

ClinVar aggregate classification (germline): Uncertain significance (1 of 4 stars; one submission).

Conditions:
Familial melanoma. Also called: Hereditary melanoma; Hereditary cutaneous melanoma. Identifiers: Orphanet 618, MedGen C1512419, MONDO:0018961.

Submission:

Labcorp Genetics (formerly Invitae), Labcorp
Classification: Uncertain significance for Familial melanoma. Last evaluated: 2020-08-20. Review status: criteria provided, single submitter. Criteria: Invitae Variant Classification Sherloc (09022015). Collection method: clinical testing. Allele origin: germline.
Comment: In summary, the available evidence is currently insufficient to determine the role of this variant in disease. Therefore, it has been classified as a Variant of Uncertain Significance. Algorithms developed to predict the effect of missense changes on protein structure and function are either unavailable or do not agree on the potential impact of this missense change (SIFT: "Deleterious"; PolyPhen-2: "Benign"; Align-GVGD: "Class C65"). This variant has not been reported in the literature in individuals with CDKN2A (p16INK4a)-related conditions. This variant is not present in population databases (ExAC no frequency). This sequence change replaces leucine with proline at codon 104 of the CDKN2A (p16INK4a) protein (p.Leu104Pro). The leucine residue is highly conserved and there is a moderate physicochemical difference between leucine and proline.

NM_000077.5(CDKN2A):c.311T>C (p.Leu104Pro)

Gene: CDKN2A (cyclin dependent kinase inhibitor 2A; minus strand). Cytogenetic location: 9p21.3.
Variant type: single nucleotide variant.
Coding change: c.311T>C on transcript NM_000077.5; coding-DNA position 311, T replaced by C.
Protein change: p.Leu104Pro; replaces leucine 104 with proline.
Molecular consequence: missense variant (on NM_001363763.2). On other transcripts: synonymous variant (1), 3 prime UTR variant (1).
Genome position (GRCh38, 1-based): chr9:21,971,048, A>G on the plus strand (T>C on the coding strand, the complement: CDKN2A is on the minus strand). VCF-style: chr9-21971048-A-G. GRCh37 (hg19) VCF-style: chr9-21971047-A-G.
Other names: c.158T>C, p.Leu53Pro (NM_001363763.2); c.354T>C, p.Ala118= (NM_058195.4); c.*234T>C (NM_058197.5); c.311T>C, p.Leu104Pro (NM_000077.6, NM_001195132.2); short protein forms L104P, L53P.
Identifiers: ClinVar variation 1014833 (VCV001014833.8), dbSNP rs1819698963, ClinGen allele CA373086087.